The following is an entry in ClinVar:

NM_000138.5(FBN1):c.30C>T (p.Ala10=)

Gene: FBN1 (fibrillin 1; minus strand). Cytogenetic location: 15q21.1.
Variant type: single nucleotide variant.
Coding change: c.30C>T on transcript NM_000138.5 (MANE Select); coding-DNA position 30, C replaced by T.
Protein change: p.Ala10=; no amino-acid change (alanine 10 retained).
Molecular consequence: synonymous variant.
Genome position (GRCh38, 1-based): chr15:48,644,740, G>A on the plus strand (C>T on the coding strand, the complement: FBN1 is on the minus strand). VCF-style: chr15-48644740-G-A. GRCh37 (hg19) VCF-style: chr15-48936937-G-A.
Other names: c.30C>T, p.Ala10= (NM_001406716.1, NM_001406717.1, NM_001406718.1).
Identifiers: ClinVar variation 2925029 (VCV002925029.4), dbSNP rs1373206190, ClinGen allele CA490090860.
Genomic context (GRCh38, chr15:48,644,740, plus strand): 5'-CTCCAAATTGGCGTCCGCCCCATGGCTCGTGTAGGACGCTAAAAGCACGGTAAATCCCAG[G>A]GCGATCTCCAGCAGACGCCCTCGACGCATGATGCCGAGCCGCCACCGGCTCCCGCCGCCT-3'
Protein context (NP_000129.3, residues 1-20): MRRGRLLEI[Ala10=]LGFTVLLASY

ClinVar aggregate classification (germline): Likely benign. Review status: criteria provided, multiple submitters, no conflicts (2 of 4 stars). 2 submissions from 2 submitters: Likely benign (2). Last evaluated 2024-01-18.

Conditions:
Marfan syndrome (MFS). Also called: MARFAN SYNDROME, TYPE I; Marfan syndrome type 1; Marfan's syndrome; Marfan syndrome, classic; FBN1-Related Marfan Syndrome. Identifiers: Orphanet 284963, Orphanet 558, MedGen C0024796, MONDO:0007947, OMIM 154700.
Familial thoracic aortic aneurysm and aortic dissection (TAAD). Also called: Thoracic aortic aneurysms and dissections. Identifiers: Orphanet 91387, MedGen C4707243, MONDO:0019625.

Allele frequency attached by ClinVar (database versions not stated): TOPMed below 0.00001.

Submissions (2):

Labcorp Genetics (formerly Invitae), Labcorp
Classification: Likely benign for Marfan syndrome; Familial thoracic aortic aneurysm and aortic dissection. Last evaluated: 2024-01-18. Review status: criteria provided, single submitter. Criteria: Invitae Variant Classification Sherloc (09022015). Collection method: clinical testing. Allele origin: germline.

All of Us Research Program, National Institutes of Health
Classification: Likely benign for Marfan syndrome. Last evaluated: 2023-04-10. Review status: criteria provided, single submitter. Criteria: ACMG Guidelines, 2015. Collection method: clinical testing. Allele origin: germline. Inheritance: Autosomal dominant inheritance. Observed: 1 variant allele, 1 heterozygote.
Comment: This study involves interpretation of variants in research participants for the purpose of population health screening. Participant phenotype was not available at the time of variant classification. Additional details can be found in publication PMID: 35346344, PMCID: PMC8962531